The following is an entry in ClinVar:

ClinVar aggregate classification (germline): Benign/Likely benign. Review status: criteria provided, multiple submitters, no conflicts (2 of 4 stars). 8 submissions from 8 submitters: Benign (1); Likely benign (6). 1 of the submissions does not count toward it. Last evaluated 2026-06-15.

Conditions:
MSH6-related disorder. Also called: MSH6-related condition; MSH6-Related disorders.
Hereditary nonpolyposis colorectal neoplasms. Identifiers: MedGen C0009405, MeSH D003123.
Hereditary cancer-predisposing syndrome. Also called: Neoplastic Syndromes, Hereditary; Tumor predisposition; Hereditary neoplastic syndrome; Hereditary Cancer Syndrome. Identifiers: Orphanet 140162, MedGen C0027672, MeSH D009386, MONDO:0015356.
Lynch syndrome. Identifiers: Orphanet 144, MedGen C4552100, MONDO:0005835. Disease mechanism: loss of function.
Carcinoma of colon (CRC). Also called: Colonic carcinoma; Colon carcinoma. Identifiers: MedGen C0699790, MONDO:0002032.
Lynch syndrome 5 (LYNCH5). Also called: Colorectal cancer, hereditary nonpolyposis, type 5; Hereditary non-polyposis colorectal cancer, type 5. Identifiers: Orphanet 144, MedGen C1833477, MONDO:0013710, OMIM 614350. Disease mechanism: loss of function.

Allele frequency attached by ClinVar (database versions not stated): gnomAD 0.00001; gnomAD exomes 0.00001 and 0.00004; TOPMed 0.00003; ExAC 0.00005.
gnomAD v4.1: 13 of 1,613,006 alleles (0.00081%); highest among the groups gnomAD compares: East Asian, 0.027%; no homozygotes.

Submissions (8):

PreventionGenetics, part of Exact Sciences
Classification: Likely benign for MSH6-related condition. Last evaluated: 2026-06-15. Review status: criteria provided, single submitter. Criteria: ACMG Guidelines, 2015. Collection method: clinical testing. Allele origin: germline.
Comment: This variant is classified as likely benign based on ACMG/AMP sequence variant interpretation guidelines (Richards et al. 2015 PMID: 25741868, with internal and published modifications).

Labcorp Genetics (formerly Invitae), Labcorp
Classification: Likely benign for Hereditary nonpolyposis colorectal neoplasms. Last evaluated: 2026-01-21. Review status: criteria provided, single submitter. Criteria: Invitae Variant Classification Sherloc (09022015). Collection method: clinical testing. Allele origin: germline.

Myriad Genetics, Inc.
Classification: Benign for Lynch syndrome 5. Last evaluated: 2024-12-31. Review status: criteria provided, single submitter. Criteria: Myriad Autosomal Dominant, Autosomal Recessive and X-Linked Classification Criteria (2023). Collection method: clinical testing. Allele origin: unknown.
Comment: This variant is considered benign. This variant is a silent/synonymous amino acid change and it is not expected to impact splicing.

All of Us Research Program, National Institutes of Health
Classification: Likely benign for Lynch syndrome. Last evaluated: 2023-12-18. Review status: criteria provided, single submitter. Criteria: ACMG Guidelines, 2015. Collection method: clinical testing. Allele origin: germline. Inheritance: Autosomal dominant inheritance. Observed: 1 variant allele, 1 heterozygote.
Comment: This study involves interpretation of variants in research participants for the purpose of population health screening. Participant phenotype was not available at the time of variant classification. Additional details can be found in publication PMID: 35346344, PMCID: PMC8962531

Color Diagnostics, LLC DBA Color Health
Classification: Likely benign for Hereditary cancer-predisposing syndrome. Last evaluated: 2016-10-24. Review status: criteria provided, single submitter. Criteria: ACMG Guidelines, 2015. Collection method: clinical testing. Allele origin: germline.

GeneDx
Classification: Likely benign. Last evaluated: 2016-07-14. Review status: criteria provided, single submitter. Criteria: GeneDx Variant Classification (06012015). Collection method: clinical testing. Allele origin: germline. Affected: yes.
Comment: This variant is considered likely benign or benign based on one or more of the following criteria: it is a conservative change, it occurs at a poorly conserved position in the protein, it is predicted to be benign by multiple in silico algorithms, and/or has population frequency not consistent with disease.

Ambry Genetics
Classification: Likely benign for Hereditary cancer-predisposing syndrome. Last evaluated: 2014-10-07. Review status: criteria provided, single submitter. Criteria: Ambry Variant Classification Scheme 2023. Collection method: clinical testing. Allele origin: germline.

Department of Pathology and Laboratory Medicine, Sinai Health System
Classification: Likely benign for Carcinoma of colon. Review status: no assertion criteria provided. Collection method: clinical testing. Allele origin: unknown. Affected: yes. Study: The Canadian Open Genetics Repository (COGR). Not counted in ClinVar's aggregate classification.
Comment: The MSH6 p.Ala842= variant was not identified in the literature nor was it identified in the COGR, Cosmic, MutDB, UMD-LSDB, Zhejiang Colon Cancer Database, and Mismatch Repair Genes Variant databases. The variant was identified in dbSNP (ID: rs772394197) as with likely benign allele; in the ClinVar and Clinvitae databases as likely benign by Ambry Genetics, Invitae, GeneDx and Color Genomics; in the Insight Colon Cancer Gene Variant Database and the Insight Hereditary Tumors 1X with no probable effect on function. The variant was not identified 1000 Genomes or in the NHLBI GO Exome Sequencing projects. The variant was identified in control databases in 8 of 244390 chromosomes at a frequency of 0.00003 (Genome Aggregation Database Feb 27, 2017). It was observed in the East Asian population in 8 of 17198 chromosomes (freq: 0.0005), but not in the African, Other, Latino, European Non-Finnish, Ashkenazi Jewish, Finnish, and South Asian populations. The p.Ala842= variant is not expected to have clinical significance because it does not result in a change of amino acid and is not located in a known consensus splice site. In addition, in silico or computational prediction software programs (SpliceSiteFinder, MaxEntScan, NNSPLICE, GeneSplicer, HumanSpliceFinder) do not predict a difference in splicing. In summary, based on the above information the clinical significance of this variant cannot be determined with certainty at this time although we would lean towards a more benign role for this variant. This variant is classified as likely benign.

NM_000179.3(MSH6):c.2526T>G (p.Ala842=)

Gene: MSH6 (mutS homolog 6; plus strand). Cytogenetic location: 2p16.3.
Variant type: single nucleotide variant.
Coding change: c.2526T>G on transcript NM_000179.3 (MANE Select); coding-DNA position 2526, T replaced by G.
Protein change: p.Ala842=; no amino-acid change (alanine 842 retained).
Molecular consequence: synonymous variant.
Genome position (GRCh38, 1-based): chr2:47,800,509, T>G. VCF-style: chr2-47800509-T-G. GRCh37 (hg19) VCF-style: chr2-48027648-T-G.
Other names: c.2136T>G, p.Ala712= (NM_001281492.2); c.1620T>G, p.Ala540= (NM_001281493.2, NM_001281494.2).
Identifiers: ClinVar variation 186376 (VCV000186376.22), dbSNP rs772394197, ClinGen allele CA010351.